The following is an entry in ClinVar:

ClinVar aggregate classification (germline): Uncertain significance (1 of 4 stars; one submission).

Conditions:
Epileptic encephalopathy. Identifiers: MedGen C0543888, HP:0200134.

Allele frequency attached by ClinVar (database versions not stated): gnomAD exomes 0.00003 and 0.00004; ExAC 0.00004; gnomAD 0.00007; ESP Exome Variant Server 0.00008; TOPMed 0.00009; 1000 Genomes Project 0.00020; 1000 Genomes Project 30x 0.00031.
gnomAD v4.1: 77 of 1,612,756 alleles (0.0048%); highest among the groups gnomAD compares: African/African-American, 0.023%; no homozygotes.

Submission:

Labcorp Genetics (formerly Invitae), Labcorp
Classification: Uncertain significance for Epileptic encephalopathy. Last evaluated: 2025-07-06. Review status: criteria provided, single submitter. Criteria: Invitae Variant Classification Sherloc (09022015). Collection method: clinical testing. Allele origin: germline.
Comment: This sequence change replaces proline, which is neutral and non-polar, with leucine, which is neutral and non-polar, at codon 657 of the FASN protein (p.Pro657Leu). This variant is present in population databases (rs200575117, gnomAD 0.02%). This variant has not been reported in the literature in individuals affected with FASN-related conditions. ClinVar contains an entry for this variant (Variation ID: 1006693). An algorithm developed to predict the effect of missense changes on protein structure and function outputs the following: PolyPhen-2: "Benign". The leucine amino acid residue is found in multiple mammalian species, which suggests that this missense change does not adversely affect protein function. In summary, the available evidence is currently insufficient to determine the role of this variant in disease. Therefore, it has been classified as a Variant of Uncertain Significance.

NM_004104.5(FASN):c.1970C>T (p.Pro657Leu)

Gene: FASN (fatty acid synthase; minus strand). Cytogenetic location: 17q25.3.
Variant type: single nucleotide variant.
Coding change: c.1970C>T on transcript NM_004104.5 (MANE Select); coding-DNA position 1970, C replaced by T.
Protein change: p.Pro657Leu; replaces proline 657 with leucine.
Molecular consequence: missense variant.
Genome position (GRCh38, 1-based): chr17:82,089,380, G>A on the plus strand (C>T on the coding strand, the complement: FASN is on the minus strand). VCF-style: chr17-82089380-G-A. GRCh37 (hg19) VCF-style: chr17-80047256-G-A.
Other names: short protein forms P657L.
Identifiers: ClinVar variation 1006693 (VCV001006693.9), dbSNP rs200575117, ClinGen allele CA8852950.